The following is an entry in ClinVar:

NM_001042492.3(NF1):c.3274G>C (p.Gly1092Arg)

Gene: NF1 (neurofibromin 1; plus strand). Cytogenetic location: 17q11.2.
Variant type: single nucleotide variant.
Coding change: c.3274G>C on transcript NM_001042492.3 (MANE Select); coding-DNA position 3274, G replaced by C.
Protein change: p.Gly1092Arg; replaces glycine 1092 with arginine.
Molecular consequence: missense variant.
Genome position (GRCh38, 1-based): chr17:31,232,149, G>C. VCF-style: chr17-31232149-G-C. GRCh37 (hg19) VCF-style: chr17-29559167-G-C.
Other names: c.3274G>C, p.Gly1092Arg (NM_000267.4); short protein forms G1092R.
Identifiers: ClinVar variation 823372 (VCV000823372.12), dbSNP rs1457169236, ClinGen allele CA398988851.
Genomic context (GRCh38, chr17:31,232,149, plus strand): 5'-AGCATGGAAGCAGTAGTTTCACTTCTAGCTGGTCTCCCTCTGCAGCCTGAAGAAGGAGAT[G>C]GTGTGGAATTGATGGAAGCCAAATCACAGTTATTTCTTAAGTAAATTTCAGTCACCAAAA-3'
Protein context (NP_001035957.1, residues 1082-1102): GLPLQPEEGD[Gly1092Arg]VELMEAKSQL

ClinVar aggregate classification (germline): Uncertain significance. Review status: criteria provided, multiple submitters, no conflicts (2 of 4 stars). 3 submissions from 3 submitters: Uncertain significance (3). Last evaluated 2025-07-23.

Conditions:
Hereditary cancer-predisposing syndrome. Also called: Hereditary Cancer Syndrome; Neoplastic Syndromes, Hereditary; Hereditary neoplastic syndrome; Tumor predisposition. Identifiers: Orphanet 140162, MedGen C0027672, MeSH D009386, MONDO:0015356.
Cardiovascular phenotype. Identifiers: MedGen CN230736.
Neurofibromatosis, type 1 (NF1). Also called: Peripheral type neurofibromatosis; Neurofibromatosis, type I; NEUROFIBROMATOSIS, TYPE I, SOMATIC; VON RECKLINGHAUSEN DISEASE. Identifiers: Orphanet 636, MedGen C0027831, MONDO:0018975, OMIM 162200. Disease mechanism: loss of function.

Submissions (3):

Labcorp Genetics (formerly Invitae), Labcorp
Classification: Uncertain significance for Neurofibromatosis, type 1. Last evaluated: 2025-07-23. Review status: criteria provided, single submitter. Criteria: Invitae Variant Classification Sherloc (09022015). Collection method: clinical testing. Allele origin: germline.
Comment: This sequence change replaces glycine, which is neutral and non-polar, with arginine, which is basic and polar, at codon 1092 of the NF1 protein (p.Gly1092Arg). This variant is not present in population databases (gnomAD no frequency). This variant has not been reported in the literature in individuals affected with NF1-related conditions. ClinVar contains an entry for this variant (Variation ID: 823372). Invitae Evidence Modeling of protein sequence and biophysical properties (such as structural, functional, and spatial information, amino acid conservation, physicochemical variation, residue mobility, and thermodynamic stability) indicates that this missense variant is expected to disrupt NF1 protein function with a positive predictive value of 80%. In summary, the available evidence is currently insufficient to determine the role of this variant in disease. Therefore, it has been classified as a Variant of Uncertain Significance.

Genome-Nilou Lab
Classification: Uncertain significance for Neurofibromatosis, type 1. Last evaluated: 2022-03-15. Review status: criteria provided, single submitter. Criteria: ACMG Guidelines, 2015. Collection method: clinical testing. Allele origin: germline. Affected: no.

Ambry Genetics
Classification: Uncertain significance for Cardiovascular phenotype; Hereditary cancer-predisposing syndrome. Last evaluated: 2019-03-15. Review status: criteria provided, single submitter. Criteria: Ambry Variant Classification Scheme 2023. Collection method: clinical testing. Allele origin: germline.
Comment: The p.G1092R variant (also known as c.3274G>C), located in coding exon 25 of the NF1 gene, results from a G to C substitution at nucleotide position 3274. The glycine at codon 1092 is replaced by arginine, an amino acid with dissimilar properties. This amino acid position is highly conserved in available vertebrate species. In addition, the in silico prediction for this alteration is inconclusive. Since supporting evidence is limited at this time, the clinical significance of this alteration remains unclear.